The following is an entry in ClinVar:

NM_001378120.1(MBD5):c.-1112_-1111insGTT

Genes: MBD5 (methyl-CpG binding domain protein 5; plus strand), ORC4 (origin recognition complex subunit 4; minus strand). Cytogenetic location: 2q23.1.
Variant type: Insertion.
Coding change: c.-1112_-1111insGTT on transcript NM_001378120.1 (MANE Select); 1112 bases upstream of the start codon through 1111 bases upstream of the start codon, GTT inserted.
Molecular consequence: 5 prime UTR variant. On other transcripts: intron variant (2).
Genome position: GRCh38 VCF-style: chr2-148021496-C-CTGT. GRCh37 (hg19) VCF-style: chr2-148779065-C-CTGT.
Other names: c.-1171_-1170insGTT (NM_001438854.1, NM_001438856.1, NM_001438860.1); c.-1112_-1111insGTT (NM_001438855.1, NM_001438859.1); c.-1199_-1198insGTT (NM_001438857.1); c.-961_-960insGTT (NM_001438858.1, NM_001438861.1); c.-961-151_-961-150insGTT (NM_018328.5); c.-925+451_-925+452insGTT (NM_001438862.1).
Identifiers: ClinVar variation 2651403 (VCV002651403.22), dbSNP rs1289732061, ClinGen allele CA536885227.

ClinVar aggregate classification (germline): Likely benign (1 of 4 stars; one submission).

Submission:

CeGaT Center for Human Genetics Tuebingen
Classification: Likely benign. Last evaluated: 2026-01-01. Review status: criteria provided, single submitter. Criteria: CeGaT Center For Human Genetics Tuebingen Variant Classification Criteria Version 2. Collection method: clinical testing. Allele origin: germline. Affected: yes. Observed: 3 variant alleles.
Comment: MBD5: BS1